The following is an entry in ClinVar:

ClinVar aggregate classification (germline): Conflicting classifications of pathogenicity. Review status: criteria provided, conflicting classifications (1 of 4 stars). 2 submissions from 2 submitters: Uncertain significance (1); Likely benign (1). Last evaluated 2023-03-23.

Conditions:
Hereditary breast ovarian cancer syndrome. Also called: Breast and ovarian cancer; BRCA1- and BRCA2-Associated Hereditary Breast and Ovarian Cancer; Hereditary breast and ovarian cancer; Hereditary breast and ovarian cancer syndrome (HBOC); Hereditary breast and ovarian cancer syndrome; Hereditary breast and/or ovarian cancer syndrome. Identifiers: Orphanet 145, MedGen C0677776, MeSH D061325, MONDO:0003582. Disease mechanism: loss of function.
Hereditary cancer-predisposing syndrome. Also called: Neoplastic Syndromes, Hereditary; Tumor predisposition; Hereditary Cancer Syndrome; Hereditary neoplastic syndrome. Identifiers: Orphanet 140162, MedGen C0027672, MeSH D009386, MONDO:0015356.

Submissions (2):

University of Washington Department of Laboratory Medicine, University of Washington
Classification: Likely benign for Hereditary cancer-predisposing syndrome. Last evaluated: 2023-03-23. Review status: criteria provided, single submitter. Criteria: Dines et al. (Genet Med. 2020). Collection method: curation. Allele origin: germline.
Comment: Missense variant in a coldspot region where missense variants are very unlikely to be pathogenic (PMID:31911673).

BRCA1 coldspot (exon 11 using historical exon numbering). Reclassification based on statistical prior probability

Labcorp Genetics (formerly Invitae), Labcorp
Classification: Uncertain significance for Hereditary breast ovarian cancer syndrome. Last evaluated: 2022-08-02. Review status: criteria provided, single submitter. Criteria: Invitae Variant Classification Sherloc (09022015). Collection method: clinical testing. Allele origin: germline.
Comment: In summary, the available evidence is currently insufficient to determine the role of this variant in disease. Therefore, it has been classified as a Variant of Uncertain Significance. Advanced modeling of protein sequence and biophysical properties (such as structural, functional, and spatial information, amino acid conservation, physicochemical variation, residue mobility, and thermodynamic stability) performed at Invitae indicates that this missense variant is not expected to disrupt BRCA1 protein function. This variant is also known as 2572G>T. This missense change has been observed in individual(s) with breast and/or ovarian cancer (PMID: 17851763). This variant is not present in population databases (gnomAD no frequency). This sequence change replaces cysteine, which is neutral and slightly polar, with phenylalanine, which is neutral and non-polar, at codon 818 of the BRCA1 protein (p.Cys818Phe).

Literature cited by the submitters: PubMed 17851763 (cited by Labcorp Genetics (formerly Invitae), Labcorp).

NM_007294.4(BRCA1):c.2453G>T (p.Cys818Phe)

Gene: BRCA1 (BRCA1 DNA repair associated; minus strand). Cytogenetic location: 17q21.31.
Variant type: single nucleotide variant.
Coding change: c.2453G>T on transcript NM_007294.4 (MANE Select); coding-DNA position 2453, G replaced by T.
Protein change: p.Cys818Phe; replaces cysteine 818 with phenylalanine.
Molecular consequence: missense variant. On other transcripts: intron variant (137).
Genome position (GRCh38, 1-based): chr17:43,093,078, C>A on the plus strand (G>T on the coding strand, the complement: BRCA1 is on the minus strand). VCF-style: chr17-43093078-C-A. GRCh37 (hg19) VCF-style: chr17-41245095-C-A.
Other names: c.2240G>T, p.Cys747Phe (NM_001407571.1, NM_001407897.1, NM_001407898.1 and 9 more transcripts); c.2453G>T, p.Cys818Phe (NM_001407581.1, NM_001407582.1, NM_001407583.1 and 30 more transcripts); c.2450G>T, p.Cys817Phe (NM_001407587.1, NM_001407590.1, NM_001407591.1 and 22 more transcripts); c.2444G>T, p.Cys815Phe (NM_001407646.1, NM_001407647.1); c.2330G>T, p.Cys777Phe (NM_001407648.1, NM_001407667.1, NM_001407668.1 and 19 more transcripts); c.2327G>T, p.Cys776Phe (NM_001407649.1, NM_001407670.1, NM_001407671.1 and 11 more transcripts); c.2375G>T, p.Cys792Phe (NM_001407653.1, NM_001407654.1, NM_001407655.1 and 4 more transcripts); c.2312G>T, p.Cys771Phe (NM_001407692.1, NM_001407694.1, NM_001407695.1 and 29 more transcripts); and 41 more; short protein forms C706F, C792F, C522F, C650F, C691F, C707F, C729F, C751F.
Identifiers: ClinVar variation 2021147 (VCV002021147.6), dbSNP rs1567795603, ClinGen allele CA10597101.